The following is an entry in ClinVar:

NM_002382.5(MAX):c.423C>A (p.Ser141Arg)

Gene: MAX (MYC associated transcriptional regulator X; minus strand). Cytogenetic location: 14q23.3.
Variant type: single nucleotide variant.
Coding change: c.423C>A on transcript NM_002382.5 (MANE Select); coding-DNA position 423, C replaced by A.
Protein change: p.Ser141Arg; replaces serine 141 with arginine.
Molecular consequence: missense variant. On other transcripts: 3 prime UTR variant (12), non-coding transcript variant (7), intron variant (2).
Genome position (GRCh38, 1-based): chr14:65,076,536, G>T on the plus strand (C>A on the coding strand, the complement: MAX is on the minus strand). VCF-style: chr14-65076536-G-T. GRCh37 (hg19) VCF-style: chr14-65543254-G-T.
Other names: c.*212C>A (NM_001407101.1, NM_001407103.1, NM_001407109.1 and 4 more transcripts); c.*196C>A (NM_001407102.1, NM_001407104.1, NM_001407108.1 and 2 more transcripts); c.234C>A, p.Ser78Arg (NM_001407105.1, NM_001407106.1, NM_001407107.1 and 1 more transcripts); c.222C>A, p.Ser74Arg (NM_001407111.1, NM_001407112.1); c.423C>A, p.Ser141Arg (NM_001407094.1); c.396C>A, p.Ser132Arg (NM_001407095.1, NM_145112.3); c.315C>A, p.Ser105Arg (NM_001407098.1); c.144+17172C>A (NM_001271069.2); and 1 more; short protein forms S105R, S74R, S132R, S141R, S78R.
Identifiers: ClinVar variation 5023925 (VCV005023925.1).

ClinVar aggregate classification (germline): Uncertain significance (1 of 4 stars; one submission).

Conditions:
Hereditary cancer-predisposing syndrome. Also called: Neoplastic Syndromes, Hereditary; Tumor predisposition; Hereditary neoplastic syndrome; Hereditary Cancer Syndrome. Identifiers: Orphanet 140162, MedGen C0027672, MeSH D009386, MONDO:0015356.

Submission:

Ambry Genetics
Classification: Uncertain significance for Hereditary cancer-predisposing syndrome. Last evaluated: 2026-07-06. Review status: criteria provided, single submitter. Criteria: Ambry Variant Classification Scheme 2023. Collection method: clinical testing. Allele origin: germline.
Comment: The p.S141R variant (also known as c.423C>A), located in coding exon 5 of the MAX gene, results from a C to A substitution at nucleotide position 423. The serine at codon 141 is replaced by arginine, an amino acid with dissimilar properties. This amino acid position is conserved. In addition, this alteration is predicted to be tolerated by in silico analysis. Based on the available evidence, the clinical significance of this variant remains unclear.